The following is an entry in ClinVar:

NM_001035.3(RYR2):c.9989C>T (p.Ala3330Val)

Gene: RYR2 (ryanodine receptor 2; plus strand). Cytogenetic location: 1q43.
Variant type: single nucleotide variant.
Coding change: c.9989C>T on transcript NM_001035.3 (MANE Select); coding-DNA position 9989, C replaced by T.
Protein change: p.Ala3330Val; replaces alanine 3330 with valine.
Molecular consequence: missense variant.
Genome position (GRCh38, 1-based): chr1:237,708,945, C>T. VCF-style: chr1-237708945-C-T. GRCh37 (hg19) VCF-style: chr1-237872245-C-T.
Other names: short protein forms A3330V.
Identifiers: ClinVar variation 2454026 (VCV002454026.2), dbSNP rs866466402, ClinGen allele CA345410542.

ClinVar aggregate classification (germline): Uncertain significance (1 of 4 stars; one submission).

Conditions:
Cardiovascular phenotype. Identifiers: MedGen CN230736.

Submission:

Ambry Genetics
Classification: Uncertain significance for Cardiovascular phenotype. Last evaluated: 2023-03-03. Review status: criteria provided, single submitter. Criteria: Ambry Variant Classification Scheme 2023. Collection method: clinical testing. Allele origin: germline.
Comment: The p.A3330V variant (also known as c.9989C>T), located in coding exon 69 of the RYR2 gene, results from a C to T substitution at nucleotide position 9989. The alanine at codon 3330 is replaced by valine, an amino acid with similar properties. This amino acid position is well conserved in available vertebrate species. In addition, this alteration is predicted to be tolerated by in silico analysis. Since supporting evidence is limited at this time, the clinical significance of this alteration remains unclear.